The following is an entry in ClinVar:

ClinVar aggregate classification (germline): Benign/Likely benign. Review status: criteria provided, multiple submitters, no conflicts (2 of 4 stars). 5 submissions from 5 submitters: Benign (2); Likely benign (2). 1 of the submissions does not count toward it. Last evaluated 2025-09-26.

Conditions:
TGM6-related disorder. Also called: TGM6-related condition.
Spinocerebellar ataxia type 35. Identifiers: Orphanet 276193, MedGen C3888031, MONDO:0013485, OMIM 613908.

Allele frequency attached by ClinVar (database versions not stated): gnomAD 0.00004 and 0.00011; TOPMed 0.00006; ESP Exome Variant Server 0.00008; gnomAD exomes 0.00018 and 0.00031; ExAC 0.00037; 1000 Genomes Project 0.00040; 1000 Genomes Project 30x 0.00047.

Submissions (5):

Mayo Clinic Laboratories, Mayo Clinic
Classification: Likely benign. Last evaluated: 2025-09-26. Review status: criteria provided, single submitter. Criteria: ACMG Guidelines, 2015. Collection method: clinical testing. Allele origin: germline. Observed: 1 variant allele.
Comment: BS1, BS2, PP3_moderate

Labcorp Genetics (formerly Invitae), Labcorp
Classification: Likely benign. Last evaluated: 2025-07-29. Review status: criteria provided, single submitter. Criteria: Invitae Variant Classification Sherloc (09022015). Collection method: clinical testing. Allele origin: germline.

Athena Diagnostics
Classification: Benign. Last evaluated: 2024-09-18. Review status: criteria provided, single submitter. Criteria: Athena Diagnostics Criteria. Collection method: clinical testing. Allele origin: unknown.

Illumina Laboratory Services, Illumina
Classification: Benign for Spinocerebellar ataxia type 35. Last evaluated: 2018-01-13. Review status: criteria provided, single submitter. Criteria: ICSL Variant Classification Criteria 13 December 2019. Collection method: clinical testing. Allele origin: germline.
Comment: This variant was observed in the ICSL laboratory as part of a predisposition screen in an ostensibly healthy population. It had not been previously curated by ICSL or reported in the Human Gene Mutation Database (HGMD: prior to June 1st, 2018), and was therefore a candidate for classification through an automated scoring system. Utilizing variant allele frequency, disease prevalence and penetrance estimates, and inheritance mode, an automated score was calculated to assess if this variant is too frequent to cause the disease. Based on the score and internal cut-off values, a variant classified as benign is not then subjected to further curation. The score for this variant resulted in a classification of benign for this disease.

PreventionGenetics, part of Exact Sciences
Classification: Likely benign for TGM6-related condition. Last evaluated: 2022-02-17. Review status: no assertion criteria provided. Collection method: clinical testing. Allele origin: germline. Not counted in ClinVar's aggregate classification.
Comment: This variant is classified as likely benign based on ACMG/AMP sequence variant interpretation guidelines (Richards et al. 2015 PMID: 25741868, with internal and published modifications).

Literature cited by the submitters: PubMed 33378849 (cited by Mayo Clinic Laboratories, Mayo Clinic and Athena Diagnostics).

NM_198994.3(TGM6):c.992A>G (p.Asn331Ser)

Gene: TGM6 (transglutaminase 6; plus strand). Cytogenetic location: 20p13.
Variant type: single nucleotide variant.
Coding change: c.992A>G on transcript NM_198994.3 (MANE Select); coding-DNA position 992, A replaced by G.
Protein change: p.Asn331Ser; replaces asparagine 331 with serine.
Molecular consequence: missense variant.
Genome position (GRCh38, 1-based): chr20:2,403,399, A>G. VCF-style: chr20-2403399-A-G. GRCh37 (hg19) VCF-style: chr20-2384045-A-G.
Other names: p.Asn331Ser; c.992A>G, p.Asn331Ser (NM_001254734.2); short protein forms N331S.
Identifiers: ClinVar variation 337918 (VCV000337918.13), dbSNP rs138323389, ClinGen allele CA9731938.